The following is an entry in ClinVar:

NM_000316.3(PTH1R):c.949_951del (p.Glu317del)

Gene: PTH1R (parathyroid hormone 1 receptor; plus strand). Cytogenetic location: 3p21.31.
Variant type: Deletion.
Coding change: c.949_951del on transcript NM_000316.3 (MANE Select); coding-DNA positions 949 to 951, 3 bases deleted (GAG; older notation c.949_951delGAG).
Protein change: p.Glu317del; deletes glutamic acid 317.
Molecular consequence: inframe deletion.
Genome position (GRCh38, 1-based): chr3:46,899,417-46,899,419, GAG deleted. VCF-style (leftmost placement, unchanged base first): chr3-46899416-AGAG-A. GRCh37 (hg19) VCF-style: chr3-46940906-AGAG-A.
Other names: c.949_951del, p.Glu317del (NM_001184744.1); short protein forms E317del.
Identifiers: ClinVar variation 3604009 (VCV003604009.2).

ClinVar aggregate classification (germline): Uncertain significance (1 of 4 stars; one submission).

Submission:

Labcorp Genetics (formerly Invitae), Labcorp
Classification: Uncertain significance. Last evaluated: 2024-05-17. Review status: criteria provided, single submitter. Criteria: Invitae Variant Classification Sherloc (09022015). Collection method: clinical testing. Allele origin: germline.
Comment: This variant, c.949_951del, results in the deletion of 1 amino acid(s) of the PTH1R protein (p.Glu317del), but otherwise preserves the integrity of the reading frame. This variant is not present in population databases (gnomAD no frequency). This variant has not been reported in the literature in individuals affected with PTH1R-related conditions. Experimental studies and prediction algorithms are not available or were not evaluated, and the functional significance of this variant is currently unknown. In summary, the available evidence is currently insufficient to determine the role of this variant in disease. Therefore, it has been classified as a Variant of Uncertain Significance.